The following is an entry in ClinVar:

ClinVar aggregate classification (germline): Pathogenic (1 of 4 stars; one submission).

Allele frequency attached by ClinVar (database versions not stated): gnomAD exomes below 0.00001.

Submission:

Labcorp Genetics (formerly Invitae), Labcorp
Classification: Pathogenic. Last evaluated: 2024-10-23. Review status: criteria provided, single submitter. Criteria: Invitae Variant Classification Sherloc (09022015). Collection method: clinical testing. Allele origin: germline.
Comment: This sequence change creates a premature translational stop signal (p.Cys638*) in the USH2A gene. It is expected to result in an absent or disrupted protein product. Loss-of-function variants in USH2A are known to be pathogenic (PMID: 10729113, 10909849, 20507924, 25649381). This variant is not present in population databases (gnomAD no frequency). This variant has not been reported in the literature in individuals affected with USH2A-related conditions. ClinVar contains an entry for this variant (Variation ID: 2121193). For these reasons, this variant has been classified as Pathogenic.

Literature cited by the submitters: PubMed 10729113; PubMed 10909849; PubMed 20507924; PubMed 25649381.

NM_206933.4(USH2A):c.1914del (p.Val637_Cys638insTer)

Gene: USH2A (usherin; minus strand). Cytogenetic location: 1q41.
Variant type: Deletion.
Coding change: c.1914del on transcript NM_206933.4 (MANE Select); coding-DNA position 1914, one base deleted (C; older notation c.1914delC).
Protein change: p.Val637_Cys638insTer.
Molecular consequence: nonsense.
Genome position (GRCh38, 1-based): chr1:216,289,337, G deleted on the plus strand (C on the coding strand, the reverse complement: USH2A is on the minus strand). VCF-style (leftmost placement, unchanged base first): chr1-216289336-TG-T. GRCh37 (hg19) VCF-style: chr1-216462678-TG-T.
Other names: c.1914del, p.Val637_Cys638insTer (NM_007123.6).
Identifiers: ClinVar variation 2121193 (VCV002121193.4), dbSNP rs2528250461, ClinGen allele CA2580062139.
Genomic context (GRCh38, chr1:216,289,336, plus strand): 5'-TCACCTGATCACAAAGAATGCTACCATTTCTAGTGCCAACTGTATCACAGTCACAGGGTT[TG>T]CAAACATCTATGGCCGAAGGATCTGCACCAACTTGTCGGAAAAAGTAATCCTTGCACAGC-3'